The following is an entry in ClinVar:

NM_020822.3(KCNT1):c.2281G>A (p.Gly761Ser)

Gene: KCNT1 (potassium sodium-activated channel subfamily T member 1; plus strand). Cytogenetic location: 9q34.3.
Variant type: single nucleotide variant.
Coding change: c.2281G>A on transcript NM_020822.3 (MANE Select); coding-DNA position 2281, G replaced by A.
Protein change: p.Gly761Ser; replaces glycine 761 with serine.
Molecular consequence: missense variant.
Genome position (GRCh38, 1-based): chr9:135,775,347, G>A. VCF-style: chr9-135775347-G-A. GRCh37 (hg19) VCF-style: chr9-138667193-G-A.
Other names: c.2146G>A, p.Gly716Ser (NM_001272003.2); short protein forms G761S, G716S.
Identifiers: ClinVar variation 449682 (VCV000449682.2), dbSNP rs761987610, ClinGen allele CA5327249.

ClinVar aggregate classification (germline): Uncertain significance (1 of 4 stars; one submission).

Allele frequency attached by ClinVar (database versions not stated): TOPMed below 0.00001; gnomAD exomes 0.00002 and 0.00004; ExAC 0.00008.
gnomAD v4.1: 24 of 1,609,430 alleles (0.0015%); highest among the groups gnomAD compares: Non-Finnish European, 0.0018%; no homozygotes.

Submission:

GeneDx
Classification: Uncertain significance. Last evaluated: 2017-06-23. Review status: criteria provided, single submitter. Criteria: GeneDx Variant Classification (06012015). Collection method: clinical testing. Allele origin: germline. Affected: yes.
Comment: A variant of uncertain significance has been identified in the KCNT1 gene. The G761S variant has not been published as a pathogenic variant, nor has it been reported as a benign variant to our knowledge. The G761S variant is observed in 10/66,590 (0.015%) alleles from individuals of European (non-Finnish) background in the ExAC dataset (Lek et al., 2016). The G761S variant is a non-conservative amino acid substitution, which is likely to impact secondary protein structure as these residues differ in polarity, charge, size and/or other properties. This substitution occurs at a position that is conserved across species, and in silico analysis predicts this variant is probably damaging to the protein structure/function. Based on the currently available information, it is unclear whether this variant is a pathogenic variant or a rare benign variant.